The following is an entry in ClinVar:

NM_005739.4(RASGRP1):c.916A>G (p.Ile306Val)

Gene: RASGRP1 (RAS guanyl releasing protein 1; minus strand). Cytogenetic location: 15q14.
Variant type: single nucleotide variant.
Coding change: c.916A>G on transcript NM_005739.4 (MANE Select); coding-DNA position 916, A replaced by G.
Protein change: p.Ile306Val; replaces isoleucine 306 with valine.
Molecular consequence: missense variant.
Genome position (GRCh38, 1-based): chr15:38,511,654, T>C on the plus strand (A>G on the coding strand, the complement: RASGRP1 is on the minus strand). VCF-style: chr15-38511654-T-C. GRCh37 (hg19) VCF-style: chr15-38803855-T-C.
Other names: c.916A>G, p.Ile306Val (NM_001128602.2, NM_001306086.2); short protein forms I306V.
Identifiers: ClinVar variation 4761082 (VCV004761082.1).

ClinVar aggregate classification (germline): Uncertain significance (1 of 4 stars; one submission).

gnomAD v4.1: 4 of 1,613,536 alleles (0.00025%); highest among the groups gnomAD compares: South Asian, 0.0011%; no homozygotes.

Submission:

Labcorp Genetics (formerly Invitae), Labcorp
Classification: Uncertain significance. Last evaluated: 2026-01-09. Review status: criteria provided, single submitter. Criteria: Invitae Variant Classification Sherloc (09022015). Collection method: clinical testing. Allele origin: germline.
Comment: This sequence change replaces isoleucine, which is neutral and non-polar, with valine, which is neutral and non-polar, at codon 306 of the RASGRP1 protein (p.Ile306Val). This variant is not present in population databases (gnomAD no frequency). This variant has not been reported in the literature in individuals affected with RASGRP1-related conditions. Invitae Evidence Modeling of protein sequence and biophysical properties (such as structural, functional, and spatial information, amino acid conservation, physicochemical variation, residue mobility, and thermodynamic stability) indicates that this missense variant is not expected to disrupt RASGRP1 protein function with a negative predictive value of 80%. In summary, the available evidence is currently insufficient to determine the role of this variant in disease. Therefore, it has been classified as a Variant of Uncertain Significance.